The following is an entry in ClinVar:

NM_032531.4(KIRREL3):c.1696+5G>A

Gene: KIRREL3 (kirre like nephrin family adhesion molecule 3; minus strand). Cytogenetic location: 11q24.2.
Variant type: single nucleotide variant.
Coding change: c.1696+5G>A on transcript NM_032531.4 (MANE Select); 5 bases into the intron after coding-DNA position 1696, G replaced by A.
Molecular consequence: intron variant. On other transcripts: synonymous variant (6).
Genome position (GRCh38, 1-based): chr11:126,431,414, C>T on the plus strand (G>A on the coding strand, the complement: KIRREL3 is on the minus strand). VCF-style: chr11-126431414-C-T. GRCh37 (hg19) VCF-style: chr11-126301309-C-T.
Other names: c.1701G>A, p.Thr567= (NM_001161707.2, NM_001441253.1); c.1665G>A, p.Thr555= (NM_001441251.1, NM_001441264.1); c.1659G>A, p.Thr553= (NM_001441255.1); c.1740G>A, p.Thr580= (NM_001441263.1); c.1696+5G>A (NM_001441257.1, NM_001441258.1); c.1510+5G>A (NM_001441262.1); c.1553-2126G>A (NM_001441261.1); c.1660+5G>A (NM_001301097.2); and 5 more.
Identifiers: ClinVar variation 489271 (VCV000489271.2), dbSNP rs1226077050, ClinGen allele CA602358869.

ClinVar aggregate classification (germline): Uncertain significance (1 of 4 stars; one submission).

Allele frequency attached by ClinVar (database versions not stated): gnomAD exomes below 0.00001.
gnomAD v4.1: 4 of 1,613,990 alleles (0.00025%); highest among the groups gnomAD compares: African/African-American, 0.004%; no homozygotes.

Submission:

GeneDx
Classification: Uncertain significance. Last evaluated: 2017-12-14. Review status: criteria provided, single submitter. Criteria: GeneDx Variant Classification (06012015). Collection method: clinical testing. Allele origin: germline. Affected: yes.
Comment: A variant of uncertain significance has been identified in the KIRREL3 gene. The c.1696+5G>A variant has not been published as a pathogenic variant, nor has it been reported as a benign variant to our knowledge. The c.1696+5G>A variant is observed in 1/15242 (0.01%) alleles from individuals of African background (Lek et al., 2016). Several in silico models predict c.1696+5G>A may destroy the canonical splice donor site of intron 14, and may cause abnormal gene splicing. However, in the absence of RNA/functional studies, the actual effect of this sequence change in this individual is unknown. Based on the currently available information, it is unclear whether this variant is a pathogenic variant or a rare benign variant.